The following is an entry in ClinVar:

NM_003238.6(TGFB2):c.1236dup (p.Cys413fs)

Gene: TGFB2 (transforming growth factor beta 2; plus strand). Cytogenetic location: 1q41.
Variant type: Duplication.
Coding change: c.1236dup on transcript NM_003238.6 (MANE Select); coding-DNA position 1236, one base duplicated (A; older notation c.1236dupA).
Protein change: p.Cys413fs; shifts the reading frame from cysteine 413.
Molecular consequence: frameshift variant. On other transcripts: non-coding transcript variant (2).
Genome position (GRCh38, 1-based): chr1:218,441,353, A duplicated; the last of 3 consecutive A bases (chr1:218,441,351-218,441,353); duplicating any one gives the same sequence. VCF-style (leftmost placement, unchanged base first): chr1-218441350-C-CA. GRCh37 (hg19) VCF-style: chr1-218614692-C-CA.
Other names: c.1320dup, p.Cys441fs (NM_001135599.4); short protein forms C413fs, C441fs.
Identifiers: ClinVar variation 1707920 (VCV001707920.7), dbSNP rs2464890433, ClinGen allele CA2580062206.
Genomic context (GRCh38, chr1:218,441,350, plus strand): 5'-CTACTACATTGGCAAAACACCCAAGATTGAACAGCTTTCTAATATGATTGTAAAGTCTTG[C>CA]AAATGCAGCTAAAATTCTTGGAAAAGTGGCAAGACCAAAATGACAATGATGATGATAATG-3'

ClinVar aggregate classification (germline): Uncertain significance. Review status: criteria provided, multiple submitters, no conflicts (2 of 4 stars). 2 submissions from 2 submitters: Uncertain significance (2). Last evaluated 2022-06-19.

Conditions:
Loeys-Dietz syndrome 4 (LDS4). Also called: ANEURYSM, AORTIC AND CEREBRAL, WITH ARTERIAL TORTUOSITY AND SKELETAL MANIFESTATIONS; TGFB2-Related Loeys-Dietz Syndrome. Identifiers: MedGen C3553762, MONDO:0013897, OMIM 614816.

Submissions (2):

Labcorp Genetics (formerly Invitae), Labcorp
Classification: Uncertain significance for Loeys-Dietz syndrome 4. Last evaluated: 2022-06-19. Review status: criteria provided, single submitter. Criteria: Invitae Variant Classification Sherloc (09022015). Collection method: clinical testing. Allele origin: germline.
Comment: This sequence change results in a frameshift in the TGFB2 gene (p.Cys413Metfs*34). While this is not anticipated to result in nonsense mediated decay, it is expected to disrupt the last 2 amino acid(s) of the TGFB2 protein and extend the protein by 31 additional amino acid residues. This variant is not present in population databases (gnomAD no frequency). This frameshift has been observed in individual(s) with clinical features of TGFB2-related conditions (Invitae). Experimental studies and prediction algorithms are not available or were not evaluated, and the functional significance of this variant is currently unknown. In summary, the available evidence is currently insufficient to determine the role of this variant in disease. Therefore, it has been classified as a Variant of Uncertain Significance.

GeneDx
Classification: Uncertain significance. Last evaluated: 2022-03-31. Review status: criteria provided, single submitter. Criteria: GeneDx Variant Classification Process June 2021. Collection method: clinical testing. Allele origin: germline. Affected: yes.
Comment: Not observed at significant frequency in large population cohorts (gnomAD); Frameshift variant in which the last 2 amino acids are replaced with 33 different amino acids, although loss-of-function variants have not been reported downstream of this position in the protein; Has not been previously published as pathogenic or benign to our knowledge